The following is an entry in ClinVar:

NM_033056.4(PCDH15):c.5818_5820dup (p.Ile1940_Val1941insIle)

Gene: PCDH15 (protocadherin related 15; minus strand). Cytogenetic location: 10q21.1.
Variant type: Duplication.
Coding change: c.5818_5820dup on transcript NM_033056.4 (MANE Plus Clinical); coding-DNA positions 5818 to 5820, 3 bases duplicated (ATT; older notation c.5818_5820dupATT).
Protein change: p.Ile1940_Val1941insIle.
Molecular consequence: inframe insertion. On other transcripts: intron variant (8).
Genome position (GRCh38, 1-based): chr10:53,821,906-53,821,908, AAT duplicated on the plus strand (ATT on the coding strand, the reverse complement: PCDH15 is on the minus strand); duplicating any 3 consecutive bases within chr10:53,821,906-53,821,909 gives the same sequence; the c. name uses the placement nearest the transcript's 3' end. VCF-style (leftmost placement, unchanged base first): chr10-53821905-C-CAAT. GRCh37 (hg19) VCF-style: chr10-55581665-C-CAAT.
Other names: c.5818_5820dupATT (NM_033056.3); c.5839_5841dup, p.Ile1947_Val1948insIle (NM_001142763.2); c.5824_5826dup, p.Ile1942_Val1943insIle (NM_001142764.2); c.5611_5613dup, p.Ile1871_Val1872insIle (NM_001142765.2); c.5809_5811dup, p.Ile1937_Val1938insIle (NM_001142766.2); c.5698_5700dup, p.Ile1900_Val1901insIle (NM_001142767.2); c.5758_5760dup, p.Ile1920_Val1921insIle (NM_001142768.2); c.5749_5751dup, p.Ile1917_Val1918insIle (NM_001142773.2); and 8 more.
Identifiers: ClinVar variation 554605 (VCV000554605.9), dbSNP rs750168790, ClinGen allele CA5504958.

ClinVar aggregate classification (germline): Uncertain significance. Review status: criteria provided, multiple submitters, no conflicts (2 of 4 stars). 3 submissions from 3 submitters: Uncertain significance (2). 1 of the submissions does not count toward it. Last evaluated 2022-08-10.

Conditions:
Usher syndrome type 1F (USH1F). Also called: USHER SYNDROME, TYPE IF. Identifiers: Orphanet 231169, Orphanet 886, MedGen C1865885, MONDO:0011186, OMIM 602083.

Submissions (3):

Labcorp Genetics (formerly Invitae), Labcorp
Classification: Uncertain significance. Last evaluated: 2022-08-10. Review status: criteria provided, single submitter. Criteria: Invitae Variant Classification Sherloc (09022015). Collection method: clinical testing. Allele origin: germline.
Comment: This variant, c.5818_5820dup, results in the insertion of 1 amino acid(s) of the PCDH15 protein (p.Ile1940dup), but otherwise preserves the integrity of the reading frame. This variant is present in population databases (rs750168790, gnomAD 0.006%). This variant has not been reported in the literature in individuals affected with PCDH15-related conditions. ClinVar contains an entry for this variant (Variation ID: 554605). In summary, the available evidence is currently insufficient to determine the role of this variant in disease. Therefore, it has been classified as a Variant of Uncertain Significance.

Laboratory for Molecular Medicine, Mass General Brigham Personalized Medicine
Classification: Uncertain significance. Last evaluated: 2019-07-30. Review status: criteria provided, single submitter. Criteria: LMM Criteria. Collection method: clinical testing. Allele origin: germline. Observed: 1 variant allele.
Comment: The p.Ile1940dup variant in PCDH15 has not been previously reported in individuals with hearing loss or Usher syndrome but has been identified in 0.006% (2/34500) of Latino chromosomes by gnomAD. This variant has also been reported in ClinVar (Variation ID 545502). This variant is a duplication of the isoleucine (Ile) residue at position 1940 and is not predicted to alter the protein reading-frame. It is unclear if this duplication will impact the protein. In summary, the clinical significance of this variant is uncertain. ACMG/AMP Criteria applied: PM2, PM4_Supporting.

Counsyl
Classification: Uncertain significance for Usher syndrome type 1F. Last evaluated: 2017-10-27. Review status: no assertion criteria provided. Collection method: clinical testing. Allele origin: unknown. Not counted in ClinVar's aggregate classification.